The following is an entry in ClinVar:

NM_001112741.2(KCNC1):c.1121A>G (p.Asn374Ser)

Gene: KCNC1 (potassium voltage-gated channel subfamily C member 1; plus strand). Cytogenetic location: 11p15.1.
Variant type: single nucleotide variant.
Coding change: c.1121A>G on transcript NM_001112741.2 (MANE Select); coding-DNA position 1121, A replaced by G.
Protein change: p.Asn374Ser; replaces asparagine 374 with serine.
Molecular consequence: missense variant.
Genome position (GRCh38, 1-based): chr11:17,772,215, A>G. VCF-style: chr11-17772215-A-G. GRCh37 (hg19) VCF-style: chr11-17793762-A-G.
Other names: c.1121A>G (NM_001112741.1); c.1121A>G, p.Asn374Ser (NM_004976.4); short protein forms N374S.
Identifiers: ClinVar variation 1898323 (VCV001898323.6), dbSNP rs763375200, ClinGen allele CA5906776.

ClinVar aggregate classification (germline): Uncertain significance. Review status: criteria provided, multiple submitters, no conflicts (2 of 4 stars). 2 submissions from 2 submitters: Uncertain significance (2). Last evaluated 2024-08-07.

Conditions:
Inborn genetic diseases. Identifiers: MedGen C0950123, MeSH D030342.
Progressive myoclonic epilepsy type 7. Identifiers: Orphanet 435438, MedGen C4015420, MONDO:0014521, OMIM 616187.

Allele frequency attached by ClinVar (database versions not stated): gnomAD 0.00001; gnomAD exomes 0.00001; TOPMed 0.00001; ExAC 0.00002.
gnomAD v4.1: 8 of 1,613,968 alleles (0.0005%); highest among the groups gnomAD compares: South Asian, 0.0011%; no homozygotes.

Submissions (2):

Ambry Genetics
Classification: Uncertain significance for Inborn genetic diseases. Last evaluated: 2024-08-07. Review status: criteria provided, single submitter. Criteria: Ambry Variant Classification Scheme 2023. Collection method: clinical testing. Allele origin: germline.

Labcorp Genetics (formerly Invitae), Labcorp
Classification: Uncertain significance for Progressive myoclonic epilepsy type 7. Last evaluated: 2022-02-11. Review status: criteria provided, single submitter. Criteria: Invitae Variant Classification Sherloc (09022015). Collection method: clinical testing. Allele origin: germline.
Comment: In summary, the available evidence is currently insufficient to determine the role of this variant in disease. Therefore, it has been classified as a Variant of Uncertain Significance. Advanced modeling of protein sequence and biophysical properties (such as structural, functional, and spatial information, amino acid conservation, physicochemical variation, residue mobility, and thermodynamic stability) performed at Invitae indicates that this missense variant is not expected to disrupt KCNC1 protein function. This variant has not been reported in the literature in individuals affected with KCNC1-related conditions. This variant is present in population databases (rs763375200, gnomAD 0.003%). This sequence change replaces asparagine, which is neutral and polar, with serine, which is neutral and polar, at codon 374 of the KCNC1 protein (p.Asn374Ser).